The following is an entry in ClinVar:

NM_000152.5(GAA):c.1365del (p.Ser454_Tyr455insTer)

Gene: GAA (alpha glucosidase; plus strand). Cytogenetic location: 17q25.3.
Variant type: Deletion.
Coding change: c.1365del on transcript NM_000152.5 (MANE Select); coding-DNA position 1365, one base deleted (C; older notation c.1365delC).
Protein change: p.Ser454_Tyr455insTer.
Molecular consequence: nonsense.
Genome position (GRCh38, 1-based): chr17:80,109,983, C deleted. VCF-style (leftmost placement, unchanged base first): chr17-80109982-AC-A. GRCh37 (hg19) VCF-style: chr17-78083781-AC-A.
Other names: c.1365del, p.Ser454_Tyr455insTer (NM_001079803.3, NM_001079804.3, NM_001406741.1 and 1 more transcripts).
Identifiers: ClinVar variation 2712506 (VCV002712506.3), dbSNP rs2510370078, ClinGen allele CA2697555216.

ClinVar aggregate classification (germline): Pathogenic (1 of 4 stars; one submission).

Conditions:
Glycogen storage disease, type II (IOPD). Also called: GLYCOGENOSIS, GENERALIZED, CARDIAC FORM; GSD II; Glucosidase acid-1,4-alpha deficiency; Pompe Disease; POMPE DISEASE, INFANTILE-ONSET; GLYCOGEN STORAGE DISEASE II, INFANTILE-ONSET. Identifiers: Orphanet 365, MedGen C0017921, MONDO:0009290, OMIM 232300.

Submission:

Labcorp Genetics (formerly Invitae), Labcorp
Classification: Pathogenic for Glycogen storage disease, type II. Last evaluated: 2023-06-12. Review status: criteria provided, single submitter. Criteria: Invitae Variant Classification Sherloc (09022015). Collection method: clinical testing. Allele origin: germline.
Comment: This variant is not present in population databases (gnomAD no frequency). For these reasons, this variant has been classified as Pathogenic. This variant has not been reported in the literature in individuals affected with GAA-related conditions. This sequence change creates a premature translational stop signal (p.Tyr455*) in the GAA gene. It is expected to result in an absent or disrupted protein product. Loss-of-function variants in GAA are known to be pathogenic (PMID: 18425781, 22252923).

Literature cited by the submitters: PubMed 18425781; PubMed 22252923.